The following is an entry in ClinVar:

ClinVar aggregate classification (germline): Pathogenic. Review status: criteria provided, multiple submitters, no conflicts (2 of 4 stars). 3 submissions from 3 submitters: Pathogenic (2). 1 of the submissions does not count toward it. Last evaluated 2023-03-30.

Conditions:
Fetal akinesia, respiratory insufficiency, microcephaly, polymicrogyria, and dysmorphic facies. Identifiers: MedGen C5562015, MONDO:0859204, OMIM 619602.
Polymicrogyria. Identifiers: Orphanet 35981, MedGen C0266464, MONDO:0000087, HP:0002126.

Submissions (3):

GeneDx
Classification: Pathogenic. Last evaluated: 2023-03-30. Review status: criteria provided, single submitter. Criteria: GeneDx Variant Classification Process June 2021. Collection method: clinical testing. Allele origin: germline. Affected: yes.
Comment: Nonsense variant predicted to result in protein truncation or nonsense mediated decay in a gene for which loss of function is a known mechanism of disease; Not observed at significant frequency in large population cohorts (gnomAD); This variant is associated with the following publications: (PMID: 25047116, 31608932)

Cytogénomique, Hospices Civils de Lyon
Classification: Pathogenic for Polymicrogyria. Last evaluated: 2018-07-25. Review status: criteria provided, single submitter. Criteria: ACMG Guidelines, 2015. Collection method: clinical testing. Allele origin: germline. Inheritance: Autosomal recessive inheritance. Affected: yes. Observed: 1 variant allele, 1 homozygote.
Comment: Truncating homozygous variation in a gene for which knocked out mice presents highly similar phenotypic presentation.

OMIM
Classification: Pathogenic for FETAL AKINESIA, RESPIRATORY INSUFFICIENCY, MICROCEPHALY, POLYMICROGYRIA, AND DYSMORPHIC FACIES. Last evaluated: 2025-07-15. Review status: no assertion criteria provided. Collection method: literature only. Allele origin: germline. Not counted in ClinVar's aggregate classification.

Literature cited by the submitters: PubMed 31608932 (cited by OMIM).

NM_000702.4(ATP1A2):c.2869G>T (p.Glu957Ter)

Gene: ATP1A2 (ATPase Na+/K+ transporting subunit alpha 2; plus strand). Cytogenetic location: 1q23.2.
Variant type: single nucleotide variant.
Coding change: c.2869G>T on transcript NM_000702.4 (MANE Select); coding-DNA position 2869, G replaced by T.
Protein change: p.Glu957Ter; replaces glutamic acid 957 with a stop codon.
Molecular consequence: nonsense.
Genome position (GRCh38, 1-based): chr1:160,139,668, G>T. VCF-style: chr1-160139668-G-T. GRCh37 (hg19) VCF-style: chr1-160109458-G-T.
Other names: short protein forms E957*.
Identifiers: ClinVar variation 549759 (VCV000549759.7), dbSNP rs1558010146, ClinGen allele CA343255107.